The following is an entry in ClinVar:

NM_174936.4(PCSK9):c.144GGA[1] (p.Glu49del)

Gene: PCSK9 (proprotein convertase subtilisin/kexin type 9; plus strand). Cytogenetic location: 1p32.3.
Variant type: Microsatellite.
Coding change: c.144GGA[1] on transcript NM_174936.4 (MANE Select); one copy of the 3-base unit GGA starting at c.144; the reference has two copies in a row; one copy, 3 bases deleted; also written c.147_149del.
Protein change: p.Glu49del; deletes glutamic acid 49.
Molecular consequence: inframe deletion. On other transcripts: 5 prime UTR variant (1), non-coding transcript variant (8).
Genome position (GRCh38, 1-based): chr1:55,039,984-55,039,986, GGA deleted; deleting any 3 consecutive bases within chr1:55,039,979-55,039,986 gives the same sequence; the position shown is the placement nearest the transcript's 3' end. VCF-style (leftmost placement, unchanged base first): chr1-55039978-CGAG-C. GRCh37 (hg19) VCF-style: chr1-55505651-CGAG-C.
Other names: c.147_149del (NM_174936.4); c.144GGA[1], p.Glu49del (NM_001407240.1, NM_001407241.1, NM_001407242.1 and 4 more transcripts); c.-591GGA[1] (NM_001407246.1); short protein forms E49del.
Identifiers: ClinVar variation 2774032 (VCV002774032.2), dbSNP rs2523164851, ClinGen allele CA2574381080.
Genomic context (GRCh38, chr1:55,039,978, plus strand): 5'-CGCCCGTGCGCAGGAGGACGAGGACGGCGACTACGAGGAGCTGGTGCTAGCCTTGCGTTC[CGAG>C]GAGGACGGCCTGGCCGAAGCACCCGAGCACGGAACCACAGCCACCTTCCACCGCTGCGCC-3'

ClinVar aggregate classification (germline): Uncertain significance (1 of 4 stars; one submission).

Conditions:
Familial hypercholesterolemia. Also called: Familial hypercholesterolaemia. Identifiers: MedGen C0020445, MONDO:0005439.

Submission:

Color Diagnostics, LLC DBA Color Health
Classification: Uncertain significance for Familial hypercholesterolemia. Last evaluated: 2022-07-25. Review status: criteria provided, single submitter. Criteria: ACMG Guidelines, 2015. Collection method: clinical testing. Allele origin: germline.
Comment: This variant is located in the PCSK9 protein. This variant causes an in-frame deletion of one amino acid at exon 1 of the PCSK9 protein. To our knowledge, functional studies have not been reported for this variant. This variant has not been reported in individuals affected with familial hypercholesterolemia in the literature. This variant has not been identified in the general population by the Genome Aggregation Database (gnomAD). The available evidence is insufficient to determine the role of this variant in disease conclusively. Therefore, this variant is classified as a Variant of Uncertain Significance.